The following is an entry in ClinVar:

ClinVar aggregate classification (germline): Uncertain significance. Review status: criteria provided, multiple submitters, no conflicts (2 of 4 stars). 4 submissions from 4 submitters: Uncertain significance (3). 1 of the submissions does not count toward it. Last evaluated 2026-01-27.

Conditions:
Cardiovascular phenotype. Identifiers: MedGen CN230736.
Hypertrophic cardiomyopathy 26. Also called: Cardiomyopathy, familial hypertrophic, 26. Identifiers: Orphanet 75249, MedGen C4310749, MONDO:0014883, OMIM 617047.
Distal myopathy with posterior leg and anterior hand involvement. Also called: WILLIAMS DISTAL MYOPATHY. Identifiers: Orphanet 63273, MedGen C3279722, MONDO:0013550, OMIM 614065.
Myofibrillar myopathy 5. Also called: Filaminopathy (type); FILAMINOPATHY, AUTOSOMAL DOMINANT. Identifiers: Orphanet 171445, MedGen C1836050, MONDO:0012289, OMIM 609524.

Allele frequency attached by ClinVar (database versions not stated): gnomAD 0.00001; gnomAD exomes 0.00001; TOPMed 0.00002.
gnomAD v4.1: 9 of 1,612,818 alleles (0.00056%); highest among the groups gnomAD compares: Admixed American, 0.0017%; no homozygotes.

Submissions (4):

Labcorp Genetics (formerly Invitae), Labcorp
Classification: Uncertain significance for Distal myopathy with posterior leg and anterior hand involvement; Myofibrillar myopathy 5; Hypertrophic cardiomyopathy 26. Last evaluated: 2026-01-27. Review status: criteria provided, single submitter. Criteria: Invitae Variant Classification Sherloc (09022015). Collection method: clinical testing. Allele origin: germline.
Comment: This sequence change replaces glycine, which is neutral and non-polar, with serine, which is neutral and polar, at codon 406 of the FLNC protein (p.Gly406Ser). The frequency data for this variant in the population databases is considered unreliable, as metrics indicate poor data quality at this position in the gnomAD database. This variant has not been reported in the literature in individuals affected with FLNC-related conditions. ClinVar contains an entry for this variant (Variation ID: 471963). Invitae Evidence Modeling of protein sequence and biophysical properties (such as structural, functional, and spatial information, amino acid conservation, physicochemical variation, residue mobility, and thermodynamic stability) has been performed for this missense variant. However, the output from this modeling did not meet the statistical confidence thresholds required to predict the impact of this variant on FLNC protein function. In summary, the available evidence is currently insufficient to determine the role of this variant in disease. Therefore, it has been classified as a Variant of Uncertain Significance.

Ambry Genetics
Classification: Uncertain significance for Cardiovascular phenotype. Last evaluated: 2024-01-03. Review status: criteria provided, single submitter. Criteria: Ambry Variant Classification Scheme 2023. Collection method: clinical testing. Allele origin: germline.
Comment: The p.G406S variant (also known as c.1216G>A), located in coding exon 8 of the FLNC gene, results from a G to A substitution at nucleotide position 1216. The glycine at codon 406 is replaced by serine, an amino acid with similar properties. This amino acid position is highly conserved in available vertebrate species. In addition, this alteration is predicted to be deleterious by in silico analysis. Since supporting evidence is limited at this time, the clinical significance of this alteration remains unclear.

Juno Genomics, Hangzhou Juno Genomics, Inc
Classification: Uncertain significance for Hypertrophic cardiomyopathy 26; Distal myopathy with posterior leg and anterior hand involvement; Myofibrillar myopathy 5. Review status: criteria provided, single submitter. Criteria: ACMG Guidelines, 2015. Collection method: clinical testing. Allele origin: germline.
Comment: Absent from controls (or at extremely low frequency if recessive) in Genome Aggregation Database.;Multiple lines of computational evidence support a deleterious effect on the gene or gene product.

Rajaie Cardiovascular, Medical and Research Center, Iran University of Medical Sciences
Classification: Likely pathogenic for Hypertrophic cardiomyopathy 26. Review status: no assertion criteria provided. Collection method: research. Allele origin: somatic. Inheritance: Autosomal dominant inheritance. Affected: yes. Observed: 1 heterozygote. Not counted in ClinVar's aggregate classification.
Comment: The FLNC gene encodes Filamin C protein in cardiac and skeletal muscle. Due to study of Rene L Begay et al., 2018 (PMID: 30067491), FLNC variants present in 2.2% of Dilated Cardiomyopathy (DCM) families characterized by a high risk of life-threatening ventricular arrhythmias and a pathological cellular phenotype partially overlapping with arrhythmogenic right ventricular cardiomyopathy.

NM_001458.5(FLNC):c.1216G>A (p.Gly406Ser)

Gene: FLNC (filamin C; plus strand). Cytogenetic location: 7q32.1.
Variant type: single nucleotide variant.
Coding change: c.1216G>A on transcript NM_001458.5 (MANE Select); coding-DNA position 1216, G replaced by A.
Protein change: p.Gly406Ser; replaces glycine 406 with serine.
Molecular consequence: missense variant.
Genome position (GRCh38, 1-based): chr7:128,838,608, G>A. VCF-style: chr7-128838608-G-A. GRCh37 (hg19) VCF-style: chr7-128478662-G-A.
Other names: c.1216G>A, p.Gly406Ser (NM_001127487.2); short protein forms G406S.
Identifiers: ClinVar variation 471963 (VCV000471963.17), dbSNP rs1343684536, ClinGen allele CA369224361.